The following is an entry in ClinVar:

ClinVar aggregate classification (germline): Pathogenic. Review status: criteria provided, multiple submitters, no conflicts (2 of 4 stars). 4 submissions from 4 submitters: Pathogenic (4). Last evaluated 2026-01-05.

Conditions:
Hereditary cancer-predisposing syndrome. Also called: Tumor predisposition; Hereditary Cancer Syndrome; Hereditary neoplastic syndrome; Neoplastic Syndromes, Hereditary. Identifiers: Orphanet 140162, MedGen C0027672, MeSH D009386, MONDO:0015356.
Ataxia-telangiectasia syndrome (AT). Also called: Ataxia telangiectasia (A-T); LOUIS-BAR SYNDROME; Cerebello-oculocutaneous telangiectasia; Immunodeficiency with ataxia telangiectasia; Ataxia-telangiectasia, complementation group D; AT, COMPLEMENTATION GROUP C. Identifiers: Orphanet 100, MedGen C0004135, MONDO:0008840, OMIM 208900.
Breast cancer, familial male. Identifiers: MedGen C1861906.

Allele frequency attached by ClinVar (database versions not stated): gnomAD exomes below 0.00001.

Submissions (4):

Ambry Genetics
Classification: Pathogenic for Hereditary cancer-predisposing syndrome. Last evaluated: 2026-01-05. Review status: criteria provided, single submitter. Criteria: Ambry Variant Classification Scheme 2023. Collection method: clinical testing. Allele origin: germline.
Comment: The c.5599delC pathogenic mutation, located in coding exon 36 of the ATM gene, results from a deletion of one nucleotide at nucleotide position 5599, causing a translational frameshift with a predicted alternate stop codon (p.Q1867Rfs*50). This variant is considered to be rare based on population cohorts in the Genome Aggregation Database (gnomAD). This alteration is expected to result in loss of function by premature protein truncation or nonsense-mediated mRNA decay. As such, this alteration is interpreted as a disease-causing mutation.

Clinical Genetics Laboratory, Skane University Hospital Lund
Classification: Pathogenic for Breast cancer, familial male. Last evaluated: 2025-07-15. Review status: criteria provided, single submitter. Criteria: ACMG Guidelines, 2015. Collection method: clinical testing. Allele origin: germline. Affected: yes.
Comment: Gene specific criteria used (ClinGen Hereditary Breast, Ovarian and Pancreatic Cancer Expert Panel Specifications to the ACMG/AMP Variant Interpretation Guidelines for ATM Version 1.4.0): PVS1, PM2_Supporting, PM5_Supporting

Labcorp Genetics (formerly Invitae), Labcorp
Classification: Pathogenic for Ataxia-telangiectasia syndrome. Last evaluated: 2024-12-24. Review status: criteria provided, single submitter. Criteria: Invitae Variant Classification Sherloc (09022015). Collection method: clinical testing. Allele origin: germline.
Comment: This sequence change creates a premature translational stop signal (p.Gln1867Argfs*50) in the ATM gene. It is expected to result in an absent or disrupted protein product. Loss-of-function variants in ATM are known to be pathogenic (PMID: 23807571, 25614872). This variant is not present in population databases (gnomAD no frequency). This variant has not been reported in the literature in individuals affected with ATM-related conditions. ClinVar contains an entry for this variant (Variation ID: 2774688). For these reasons, this variant has been classified as Pathogenic.

Color Diagnostics, LLC DBA Color Health
Classification: Pathogenic for Hereditary cancer-predisposing syndrome. Last evaluated: 2023-02-16. Review status: criteria provided, single submitter. Criteria: ACMG Guidelines, 2015. Collection method: clinical testing. Allele origin: germline.
Comment: This variant deletes 1 nucleotide in exon 37 of the ATM gene, creating a frameshift and premature translation stop signal. This variant is expected to result in an absent or non-functional protein product. To our knowledge, this variant has not been reported in individuals affected with ATM-related disorders in the literature. This variant has not been identified in the general population by the Genome Aggregation Database (gnomAD). Loss of ATM function is a known mechanism of disease. Based on the available evidence, this variant is classified as Pathogenic.

Literature cited by the submitters: PubMed 23807571 (cited by Labcorp Genetics (formerly Invitae), Labcorp); PubMed 25614872 (cited by Labcorp Genetics (formerly Invitae), Labcorp).

NM_000051.4(ATM):c.5599del (p.Gln1867fs)

Gene: ATM (ATM serine/threonine kinase; plus strand). Cytogenetic location: 11q22.3.
Variant type: Deletion.
Coding change: c.5599del on transcript NM_000051.4 (MANE Select); coding-DNA position 5599, one base deleted (C; older notation c.5599delC).
Protein change: p.Gln1867fs; shifts the reading frame from glutamine 1867.
Molecular consequence: frameshift variant.
Genome position (GRCh38, 1-based): chr11:108,304,777, C deleted. VCF-style (leftmost placement, unchanged base first): chr11-108304776-TC-T. GRCh37 (hg19) VCF-style: chr11-108175503-TC-T.
Other names: c.5599del, p.Gln1867fs (NM_001351834.2); short protein forms Q1867fs.
Identifiers: ClinVar variation 2774688 (VCV002774688.6), dbSNP rs2546987787, ClinGen allele CA2615858718.